The following is an entry in ClinVar:

NM_000051.4(ATM):c.3444T>C (p.Tyr1148=)

Gene: ATM (ATM serine/threonine kinase; plus strand). Cytogenetic location: 11q22.3.
Variant type: single nucleotide variant.
Coding change: c.3444T>C on transcript NM_000051.4 (MANE Select); coding-DNA position 3444, T replaced by C.
Protein change: p.Tyr1148=; no amino-acid change (tyrosine 1148 retained).
Molecular consequence: synonymous variant.
Genome position (GRCh38, 1-based): chr11:108,281,036, T>C. VCF-style: chr11-108281036-T-C. GRCh37 (hg19) VCF-style: chr11-108151763-T-C.
Other names: c.3444T>C, p.Tyr1148= (NM_001351834.2).
Identifiers: ClinVar variation 823779 (VCV000823779.14), dbSNP rs1591636407, ClinGen allele CA476672801.

ClinVar aggregate classification (germline): Benign/Likely benign. Review status: criteria provided, multiple submitters, no conflicts (2 of 4 stars). 3 submissions from 3 submitters: Benign (1); Likely benign (2). Last evaluated 2024-12-30.

Conditions:
Hereditary cancer-predisposing syndrome. Also called: Neoplastic Syndromes, Hereditary; Hereditary Cancer Syndrome; Hereditary neoplastic syndrome; Tumor predisposition. Identifiers: Orphanet 140162, MedGen C0027672, MeSH D009386, MONDO:0015356.
Ataxia-telangiectasia syndrome (AT). Also called: ATAXIA-TELANGIECTASIA, COMPLEMENTATION GROUP A; ATAXIA-TELANGIECTASIA, FRESNO VARIANT; Ataxia-telangiectasia, complementation group E; Ataxia telangiectasia (A-T); LOUIS-BAR SYNDROME; Cerebello-oculocutaneous telangiectasia. Identifiers: Orphanet 100, MedGen C0004135, MONDO:0008840, OMIM 208900.
Familial cancer of breast. Also called: hereditary breast carcinoma; BREAST CANCER, FAMILIAL; Hereditary breast cancer. Identifiers: Orphanet 227535, MedGen C0346153, MONDO:0016419, OMIM 114480. Disease mechanism: loss of function.

Submissions (3):

Labcorp Genetics (formerly Invitae), Labcorp
Classification: Likely benign for Ataxia-telangiectasia syndrome. Last evaluated: 2024-12-30. Review status: criteria provided, single submitter. Criteria: Invitae Variant Classification Sherloc (09022015). Collection method: clinical testing. Allele origin: germline.

Myriad Genetics, Inc.
Classification: Benign for Familial cancer of breast. Last evaluated: 2024-05-14. Review status: criteria provided, single submitter. Criteria: Myriad Autosomal Dominant, Autosomal Recessive and X-Linked Classification Criteria (2023). Collection method: clinical testing. Allele origin: unknown.
Comment: This variant is considered benign. This variant is a silent/synonymous amino acid change and it is not expected to impact splicing.

Ambry Genetics
Classification: Likely benign for Hereditary cancer-predisposing syndrome. Last evaluated: 2018-03-14. Review status: criteria provided, single submitter. Criteria: Ambry Variant Classification Scheme 2023. Collection method: clinical testing. Allele origin: germline.